The following is an entry in ClinVar:

NM_020778.5(ALPK3):c.3470A>T (p.Glu1157Val)

Gene: ALPK3 (alpha kinase 3; plus strand). Cytogenetic location: 15q25.3.
Variant type: single nucleotide variant.
Coding change: c.3470A>T on transcript NM_020778.5 (MANE Select); coding-DNA position 3470, A replaced by T.
Protein change: p.Glu1157Val; replaces glutamic acid 1157 with valine.
Molecular consequence: missense variant.
Genome position (GRCh38, 1-based): chr15:84,858,208, A>T. VCF-style: chr15-84858208-A-T. GRCh37 (hg19) VCF-style: chr15-85401439-A-T.
Other names: short protein forms E1157V.
Identifiers: ClinVar variation 1487988 (VCV001487988.8), dbSNP rs777196267, ClinGen allele CA7709641.
Genomic context (GRCh38, chr15:84,858,208, plus strand): 5'-CCTCCCAAGAGGAGAAGTTCCCAGGGGAGGCTCTGACAGGTCTCCCGGCAGCTACACCTG[A>T]GGAACTGGCTCTAGGGGCCCGGAGGAAGAGATTTCTCCCTAAGGTCAGAGCAGCAGGAGA-3'
Protein context (NP_065829.4, residues 1147-1167): ALTGLPAATP[Glu1157Val]ELALGARRKR

ClinVar aggregate classification (germline): Uncertain significance (1 of 4 stars; one submission).

Allele frequency attached by ClinVar (database versions not stated): gnomAD exomes below 0.00001 and 0.00001; ExAC 0.00002.
gnomAD v4.1: 1 of 1,612,690 alleles (0.000062%); highest among the groups gnomAD compares: Non-Finnish European, 0.000085%; no homozygotes.

Submission:

Labcorp Genetics (formerly Invitae), Labcorp
Classification: Uncertain significance. Last evaluated: 2021-05-01. Review status: criteria provided, single submitter. Criteria: Invitae Variant Classification Sherloc (09022015). Collection method: clinical testing. Allele origin: germline.
Comment: In summary, the available evidence is currently insufficient to determine the role of this variant in disease. Therefore, it has been classified as a Variant of Uncertain Significance. Algorithms developed to predict the effect of missense changes on protein structure and function are either unavailable or do not agree on the potential impact of this missense change (SIFT: "Deleterious"; PolyPhen-2: "Benign"; Align-GVGD: "Class C0"). This variant has not been reported in the literature in individuals with ALPK3-related conditions. This variant is present in population databases (rs777196267, ExAC 0.004%). This sequence change replaces glutamic acid with valine at codon 1359 of the ALPK3 protein (p.Glu1359Val). The glutamic acid residue is moderately conserved and there is a moderate physicochemical difference between glutamic acid and valine.